The following is an entry in ClinVar:

ClinVar aggregate classification (germline): Uncertain significance (1 of 4 stars; one submission).

Conditions:
LAMA2-related muscular dystrophy (LAMA2-RD). Also called: Laminin alpha 2-related dystrophy. Identifiers: MedGen C5679788, MONDO:0100228.

Submission:

Labcorp Genetics (formerly Invitae), Labcorp
Classification: Uncertain significance for LAMA2-related muscular dystrophy. Last evaluated: 2024-01-08. Review status: criteria provided, single submitter. Criteria: Invitae Variant Classification Sherloc (09022015). Collection method: clinical testing. Allele origin: germline.
Comment: This variant is a gross deletion of the genomic region encompassing exon(s) 47-48 of the LAMA2 gene. This variant would be expected to be in-frame, preserving the integrity of the reading frame. A similar copy number variant has been observed in individual(s) with congenital muscular dystrophy (Invitae). Experimental studies and prediction algorithms are not available or were not evaluated, and the functional significance of this variant is currently unknown. This variant disrupts a region of the LAMA2 protein in which other variant(s) (p.Trp2208Cys) have been observed in individuals with LAMA2-related conditions (Invitae). This suggests that this is a clinically significant region of the protein, and that variants that disrupt it are likely to be disease-causing. In summary, the available evidence is currently insufficient to determine the role of this variant in disease. Therefore, it has been classified as a Variant of Uncertain Significance.

NC_000006.11:g.(?_129775280)_(129777659_?)del

Gene: LAMA2 (laminin subunit alpha 2; plus strand). Cytogenetic location: 6q22.33.
Variant type: Deletion.
Identifiers: ClinVar variation 1470823 (VCV001470823.8).